The following is an entry in ClinVar:

ClinVar aggregate classification (germline): Uncertain significance (1 of 4 stars; one submission).

Allele frequency attached by ClinVar (database versions not stated): gnomAD exomes 0.00001; TOPMed below 0.00001; gnomAD 0.00001.
gnomAD v4.1: 4 of 1,613,774 alleles (0.00025%); highest among the groups gnomAD compares: East Asian, 0.0067%; no homozygotes.

Submission:

Labcorp Genetics (formerly Invitae), Labcorp
Classification: Uncertain significance. Last evaluated: 2022-07-19. Review status: criteria provided, single submitter. Criteria: Invitae Variant Classification Sherloc (09022015). Collection method: clinical testing. Allele origin: germline.
Comment: In summary, the available evidence is currently insufficient to determine the role of this variant in disease. Therefore, it has been classified as a Variant of Uncertain Significance. Algorithms developed to predict the effect of sequence changes on RNA splicing suggest that this variant may create or strengthen a splice site. Algorithms developed to predict the effect of missense changes on protein structure and function output the following: SIFT: "Tolerated"; PolyPhen-2: "Benign"; Align-GVGD: "Class C0". The cysteine amino acid residue is found in multiple mammalian species, which suggests that this missense change does not adversely affect protein function. ClinVar contains an entry for this variant (Variation ID: 1478501). This variant has not been reported in the literature in individuals affected with PLK4-related conditions. This variant is present in population databases (no rsID available, gnomAD 0.01%). This sequence change replaces tyrosine, which is neutral and polar, with cysteine, which is neutral and slightly polar, at codon 545 of the PLK4 protein (p.Tyr545Cys).

NM_014264.5(PLK4):c.1634A>G (p.Tyr545Cys)

Gene: PLK4 (polo like kinase 4; plus strand). Cytogenetic location: 4q28.1.
Variant type: single nucleotide variant.
Coding change: c.1634A>G on transcript NM_014264.5 (MANE Select); coding-DNA position 1634, A replaced by G.
Protein change: p.Tyr545Cys; replaces tyrosine 545 with cysteine.
Molecular consequence: missense variant.
Genome position (GRCh38, 1-based): chr4:127,890,040, A>G. VCF-style: chr4-127890040-A-G. GRCh37 (hg19) VCF-style: chr4-128811195-A-G.
Other names: c.1538A>G, p.Tyr513Cys (NM_001190799.2); c.1511A>G, p.Tyr504Cys (NM_001190801.2); short protein forms Y504C, Y545C, Y513C.
Identifiers: ClinVar variation 1478501 (VCV001478501.6), dbSNP rs1334512805, ClinGen allele CA358156655.